The following is an entry in ClinVar:

ClinVar aggregate classification (germline): Uncertain significance (1 of 4 stars; one submission).

Allele frequency attached by ClinVar (database versions not stated): TOPMed below 0.00001; ExAC 0.00001; gnomAD 0.00001; gnomAD exomes 0.00001 and 0.00002.
gnomAD v4.1: 21 of 1,613,912 alleles (0.0013%); highest among the groups gnomAD compares: South Asian, 0.0033%; no homozygotes.

Submission:

Labcorp Genetics (formerly Invitae), Labcorp
Classification: Uncertain significance. Last evaluated: 2021-08-24. Review status: criteria provided, single submitter. Criteria: Invitae Variant Classification Sherloc (09022015). Collection method: clinical testing. Allele origin: germline.
Comment: This sequence change replaces alanine with valine at codon 193 of the P3H2 protein (p.Ala193Val). The alanine residue is weakly conserved and there is a small physicochemical difference between alanine and valine. This variant is present in population databases (rs780816013, ExAC 0.006%). This variant has not been reported in the literature in individuals affected with P3H2-related conditions. Algorithms developed to predict the effect of missense changes on protein structure and function (SIFT, PolyPhen-2, Align-GVGD) all suggest that this variant is likely to be tolerated. Algorithms developed to predict the effect of sequence changes on RNA splicing suggest that this variant may create or strengthen a splice site. In summary, the available evidence is currently insufficient to determine the role of this variant in disease. Therefore, it has been classified as a Variant of Uncertain Significance.

NM_018192.4(P3H2):c.578C>T (p.Ala193Val)

Gene: P3H2 (prolyl 3-hydroxylase 2; minus strand). Cytogenetic location: 3q28.
Variant type: single nucleotide variant.
Coding change: c.578C>T on transcript NM_018192.4 (MANE Select); coding-DNA position 578, C replaced by T.
Protein change: p.Ala193Val; replaces alanine 193 with valine.
Molecular consequence: missense variant.
Genome position (GRCh38, 1-based): chr3:189,995,345, G>A on the plus strand (C>T on the coding strand, the complement: P3H2 is on the minus strand). VCF-style: chr3-189995345-G-A. GRCh37 (hg19) VCF-style: chr3-189713134-G-A.
Other names: c.35C>T, p.Ala12Val (NM_001134418.2); short protein forms A12V, A193V.
Identifiers: ClinVar variation 1016653 (VCV001016653.2), dbSNP rs780816013, ClinGen allele CA2753304.